The following is an entry in ClinVar:

NM_001384732.1(CPLANE1):c.1472A>T (p.Lys491Ile)

Gene: CPLANE1 (ciliogenesis and planar polarity effector complex subunit 1; minus strand). Cytogenetic location: 5p13.2.
Variant type: single nucleotide variant.
Coding change: c.1472A>T on transcript NM_001384732.1 (MANE Select); coding-DNA position 1472, A replaced by T.
Protein change: p.Lys491Ile; replaces lysine 491 with isoleucine.
Molecular consequence: missense variant.
Genome position (GRCh38, 1-based): chr5:37,227,292, T>A on the plus strand (A>T on the coding strand, the complement: CPLANE1 is on the minus strand). VCF-style: chr5-37227292-T-A. GRCh37 (hg19) VCF-style: chr5-37227394-T-A.
Other names: c.1472A>T, p.Lys491Ile (NM_023073.4); short protein forms K491I.
Identifiers: ClinVar variation 1420567 (VCV001420567.7), dbSNP rs761746624, ClinGen allele CA117058053.
Genomic context (GRCh38, chr5:37,227,292, plus strand): 5'-CTGCTAAGTACCTGAAAATCTGCTGCATTTTCATTTATTGTTTCTTCTGCCTGCAAGAAT[T>A]TGGGGACAGTGAAATCGGCTGAACTTTCATTTCCTTGGTGTTCTAACAGGCTAGACCTTA-3'
Protein context (NP_001371661.1, residues 481-501): NESSADFTVP[Lys491Ile]FLQAEETINE

ClinVar aggregate classification (germline): Uncertain significance. Review status: criteria provided, multiple submitters, no conflicts (2 of 4 stars). 2 submissions from 2 submitters: Uncertain significance (2). Last evaluated 2022-11-08.

Conditions:
Orofaciodigital syndrome type 6 (OFD6). Also called: Oral-facial-digital syndrome type 6; Central polydactyly cleft lip/palate or lingual lump and psychomotor retardation; Y-shaped central metacarpal and cerebellar defect; Joubert syndrome with orofacialdigital anomalies; VARADI SYNDROME; VARADI-PAPP SYNDROME. Identifiers: Orphanet 2754, MedGen C2745997, MONDO:0010176, OMIM 277170.
Joubert syndrome 17 (JBTS17). Identifiers: Orphanet 475, MedGen C3553264, MONDO:0013824, OMIM 614615.

Allele frequency attached by ClinVar (database versions not stated): gnomAD 0.00007.
gnomAD v4.1: 19 of 1,552,088 alleles (0.0012%); highest among the groups gnomAD compares: African/African-American, 0.019%; no homozygotes.

Submissions (2):

Labcorp Genetics (formerly Invitae), Labcorp
Classification: Uncertain significance. Last evaluated: 2022-11-08. Review status: criteria provided, single submitter. Criteria: Invitae Variant Classification Sherloc (09022015). Collection method: clinical testing. Allele origin: germline.
Comment: In summary, the available evidence is currently insufficient to determine the role of this variant in disease. Therefore, it has been classified as a Variant of Uncertain Significance. Advanced modeling of protein sequence and biophysical properties (such as structural, functional, and spatial information, amino acid conservation, physicochemical variation, residue mobility, and thermodynamic stability) performed at Invitae indicates that this missense variant is not expected to disrupt CPLANE1 protein function. ClinVar contains an entry for this variant (Variation ID: 1420567). This variant has not been reported in the literature in individuals affected with CPLANE1-related conditions. This variant is present in population databases (no rsID available, gnomAD 0.01%). This sequence change replaces lysine, which is basic and polar, with isoleucine, which is neutral and non-polar, at codon 491 of the CPLANE1 protein (p.Lys491Ile).

Fulgent Genetics
Classification: Uncertain significance for Orofaciodigital syndrome type 6; Joubert syndrome 17. Last evaluated: 2021-08-11. Review status: criteria provided, single submitter. Criteria: ACMG Guidelines, 2015. Collection method: clinical testing. Allele origin: unknown.